The following is an entry in ClinVar:

ClinVar aggregate classification (germline): Benign/Likely benign. Review status: criteria provided, multiple submitters, no conflicts (2 of 4 stars). 9 submissions from 9 submitters: Benign (1); Likely benign (8). Last evaluated 2026-02-03.

Conditions:
SCN10A-related disorder. Also called: SCN10A-related condition.
Cardiovascular phenotype. Identifiers: MedGen CN230736.
Brugada syndrome. Also called: Sudden Unexplained Death Syndrome; Sudden Unexplained Nocturnal Death Syndrome (SUNDS); Sudden unexpected nocturnal death syndrome; Sudden unexplained nocturnal death syndrome. Identifiers: Orphanet 130, MedGen C1142166, MONDO:0015263.
Brugada syndrome 1 (BRGDA1). Also called: RIGHT BUNDLE BRANCH BLOCK, ST SEGMENT ELEVATION, AND SUDDEN DEATH SYNDROME. Identifiers: Orphanet 130, MedGen C4551804, MONDO:0011001, OMIM 601144.

Submissions (9):

Labcorp Genetics (formerly Invitae), Labcorp
Classification: Likely benign for Brugada syndrome. Last evaluated: 2026-02-03. Review status: criteria provided, single submitter. Criteria: Invitae Variant Classification Sherloc (09022015). Collection method: clinical testing. Allele origin: germline.

CeGaT Center for Human Genetics Tuebingen
Classification: Benign. Last evaluated: 2026-01-01. Review status: criteria provided, single submitter. Criteria: CeGaT Center For Human Genetics Tuebingen Variant Classification Criteria Version 2. Collection method: clinical testing. Allele origin: germline. Affected: yes. Observed: 8 variant alleles.
Comment: SCN10A: PM4:Supporting, BS1, BS2

Women's Health and Genetics/Laboratory Corporation of America, LabCorp
Classification: Likely benign. Last evaluated: 2025-10-30. Review status: criteria provided, single submitter. Criteria: LabCorp Variant Classification Summary - May 2015. Collection method: clinical testing. Allele origin: germline.
Comment: Variant summary: SCN10A c.1249_1251delAAG (p.Lys417del) results in an in-frame deletion that is predicted to remove one amino acid from the encoded protein. The variant allele was found at a frequency of 0.00098 in 1607076 control chromosomes (including 2 homozygotes), predominantly at a frequency of 0.0015 within the South Asian subpopulation in the gnomAD database (v4.1 dataset). The observed variant frequency within South Asian control individuals in the gnomAD database exceeds the estimated maximal expected allele frequency for disease-causing variants in SCN10A. The variant, c.1249_1251delAAG, has been observed in individuals affected with atrial fibrillation (AF) and painful- and painless diabetic peripheral neuropathy (e.g. Savio-Galimberti_2014, Weeke_2014, Almomani_2023). These report(s) do not provide unequivocal conclusions about association of the variant with Episodic pain syndrome, familial, 2. One of these studies reported experimental evidence evaluating an impact on protein function, and demonstrated altered electrophysiological parameters for the variant protein, however this could result from decreased cell surface expression in their in vitro expression system (Savio-Galimberti_2014), therefore these results do not allow convincing conclusions about the variant effect. The following publications have been ascertained in the context of this evaluation (PMID: 25053638, 24120998, 37175987). ClinVar contains an entry for this variant (Variation ID: 420026). Based on the evidence outlined above, the variant was classified as likely benign.

Laboratory of Genetics, Children's Clinical University Hospital Latvia
Classification: Likely benign. Last evaluated: 2025-02-16. Review status: criteria provided, single submitter. Criteria: ACMG Guidelines, 2015. Collection method: clinical testing. Allele origin: germline. Affected: yes.

Blueprint Genetics
Classification: Likely benign. Last evaluated: 2024-11-15. Review status: criteria provided, single submitter. Criteria: ACMG Guidelines, 2015. Collection method: clinical testing. Allele origin: germline.

PreventionGenetics, part of Exact Sciences
Classification: Likely benign for SCN10A-related condition. Last evaluated: 2024-10-23. Review status: criteria provided, single submitter. Criteria: ACMG Guidelines, 2015. Collection method: clinical testing. Allele origin: germline.
Comment: This variant is classified as likely benign based on ACMG/AMP sequence variant interpretation guidelines (Richards et al. 2015 PMID: 25741868, with internal and published modifications).

GeneDx
Classification: Likely benign. Last evaluated: 2020-12-03. Review status: criteria provided, single submitter. Criteria: GeneDx Variant Classification Process June 2021. Collection method: clinical testing. Allele origin: germline. Affected: yes.
Comment: This variant is associated with the following publications: (PMID: 25053638)

Mendelics
Classification: Likely benign for Brugada syndrome 1. Last evaluated: 2019-05-28. Review status: criteria provided, single submitter. Criteria: Mendelics Assertion Criteria 2017. Collection method: clinical testing. Allele origin: unknown.

Ambry Genetics
Classification: Likely benign for Cardiovascular phenotype. Last evaluated: 2019-01-31. Review status: criteria provided, single submitter. Criteria: Ambry Variant Classification Scheme 2023. Collection method: clinical testing. Allele origin: germline.

Literature cited by the submitters: PubMed 24120998 (cited by Women's Health and Genetics/Laboratory Corporation of America, LabCorp); PubMed 37175987 (cited by Women's Health and Genetics/Laboratory Corporation of America, LabCorp); PubMed 25053638 (cited by Women's Health and Genetics/Laboratory Corporation of America, LabCorp and Ambry Genetics).

NM_006514.4(SCN10A):c.1246AAG[1] (p.Lys417del)

Gene: SCN10A (sodium voltage-gated channel alpha subunit 10; minus strand). Cytogenetic location: 3p22.2.
Variant type: Microsatellite.
Coding change: c.1246AAG[1] on transcript NM_006514.4 (MANE Select); one copy of the 3-base unit AAG starting at c.1246; the reference has two copies in a row; one copy, 3 bases deleted; also written c.1249_1251del.
Protein change: p.Lys417del; deletes lysine 417.
Molecular consequence: inframe deletion.
Genome position (GRCh38, 1-based): chr3:38,756,713-38,756,715, CTT deleted on the plus strand (AAG on the coding strand, the reverse complement: SCN10A is on the minus strand); deleting any 3 consecutive bases within chr3:38,756,713-38,756,720 gives the same sequence; the position shown is the placement nearest the transcript's 3' end. VCF-style (leftmost placement, unchanged base first): chr3-38756712-ACTT-A. GRCh37 (hg19) VCF-style: chr3-38798203-ACTT-A.
Other names: c.1246AAG[1], p.Lys417del (NM_001293306.2, NM_001293307.2); c.1249_1251delAAG (NM_006514.4, NM_006514.3); c.1249_1251del (NM_006514.2); short protein forms K417del.
Identifiers: ClinVar variation 420026 (VCV000420026.50), dbSNP rs758898721, ClinGen allele CA2320931.